The following is an entry in ClinVar:

ClinVar aggregate classification (germline): Uncertain significance (1 of 4 stars; one submission).

Conditions:
Adams-Oliver syndrome 5 (AOS5). Identifiers: Orphanet 974, MedGen C4014970, MONDO:0014459, OMIM 616028.

Submission:

Labcorp Genetics (formerly Invitae), Labcorp
Classification: Uncertain significance for Adams-Oliver syndrome 5. Last evaluated: 2025-04-27. Review status: criteria provided, single submitter. Criteria: Invitae Variant Classification Sherloc (09022015). Collection method: clinical testing. Allele origin: germline.
Comment: This sequence change replaces serine, which is neutral and polar, with glycine, which is neutral and non-polar, at codon 900 of the NOTCH1 protein (p.Ser900Gly). This variant is not present in population databases (gnomAD no frequency). This variant has not been reported in the literature in individuals affected with NOTCH1-related conditions. Invitae Evidence Modeling of protein sequence and biophysical properties (such as structural, functional, and spatial information, amino acid conservation, physicochemical variation, residue mobility, and thermodynamic stability) indicates that this missense variant is not expected to disrupt NOTCH1 protein function with a negative predictive value of 80%. In summary, the available evidence is currently insufficient to determine the role of this variant in disease. Therefore, it has been classified as a Variant of Uncertain Significance.

NM_017617.5(NOTCH1):c.2698A>G (p.Ser900Gly)

Gene: NOTCH1 (notch receptor 1; minus strand). Cytogenetic location: 9q34.3.
Variant type: single nucleotide variant.
Coding change: c.2698A>G on transcript NM_017617.5 (MANE Select); coding-DNA position 2698, A replaced by G.
Protein change: p.Ser900Gly; replaces serine 900 with glycine.
Molecular consequence: missense variant.
Genome position (GRCh38, 1-based): chr9:136,510,695, T>C on the plus strand (A>G on the coding strand, the complement: NOTCH1 is on the minus strand). VCF-style: chr9-136510695-T-C. GRCh37 (hg19) VCF-style: chr9-139405147-T-C.
Other names: short protein forms S900G.
Identifiers: ClinVar variation 4768783 (VCV004768783.1).